The following is an entry in ClinVar:

ClinVar aggregate classification (germline): Uncertain significance. Review status: criteria provided, multiple submitters, no conflicts (2 of 4 stars). 3 submissions from 3 submitters: Uncertain significance (2). 1 of the submissions does not count toward it. Last evaluated 2024-03-07.

Conditions:
Charcot-Marie-Tooth disease, type I (CMT1). Also called: Charcot-Marie-Tooth, Type 1; Charcot-Marie-Tooth disease type 1. Identifiers: Orphanet 65753, MedGen C0751036, MONDO:0019011.
Charcot-Marie-Tooth disease, type IA (CMT1A). Also called: CHARCOT-MARIE-TOOTH DISEASE, AUTOSOMAL DOMINANT, WITH FOCALLY FOLDED MYELIN SHEATHS, TYPE 1A; CHARCOT-MARIE-TOOTH NEUROPATHY, TYPE 1A; HEREDITARY MOTOR AND SENSORY NEUROPATHY IA; CHARCOT-MARIE-TOOTH DISEASE, DEMYELINATING, TYPE 1A; Charcot-Marie-Tooth disease type 1A; CMT 1A. Identifiers: Orphanet 101081, MedGen C0270911, MONDO:0007309, OMIM 118220.

Allele frequency attached by ClinVar (database versions not stated): gnomAD exomes below 0.00001 and 0.00001.
gnomAD v4.1: 8 of 1,613,928 alleles (0.0005%); highest among the groups gnomAD compares: South Asian, 0.0066%; no homozygotes.

Submissions (3):

Labcorp Genetics (formerly Invitae), Labcorp
Classification: Uncertain significance for Charcot-Marie-Tooth disease, type I. Last evaluated: 2024-03-07. Review status: criteria provided, single submitter. Criteria: Invitae Variant Classification Sherloc (09022015). Collection method: clinical testing. Allele origin: germline.
Comment: This sequence change replaces alanine, which is neutral and non-polar, with valine, which is neutral and non-polar, at codon 114 of the PMP22 protein (p.Ala114Val). The frequency data for this variant in the population databases is considered unreliable, as metrics indicate poor data quality at this position in the gnomAD database. This missense change has been observed in individual(s) with Charcot-Marie-Tooth disease (PMID: 31993930). ClinVar contains an entry for this variant (Variation ID: 1184514). An algorithm developed to predict the effect of missense changes on protein structure and function (PolyPhen-2) suggests that this variant is likely to be disruptive. In summary, the available evidence is currently insufficient to determine the role of this variant in disease. Therefore, it has been classified as a Variant of Uncertain Significance.

Neuberg Centre For Genomic Medicine, NCGM
Classification: Uncertain significance for Charcot-Marie-Tooth disease, type IA. Review status: criteria provided, single submitter. Criteria: ACMG Guidelines, 2015. Collection method: clinical testing. Allele origin: germline. Inheritance: Autosomal dominant inheritance. Affected: yes.
Comment: The missense variant c.341C>T (p.Ala114Val) in PMP22 gene has not been reported previously as a pathogenic variant nor as a benign variant, to our knowledge. This variant has been reported to the ClinVar database as Likely Pathogenic. The p.Ala114Val variant is novel (not in any individuals) in 1000 Genomes and allele frequency of 0.0003989% is reported in gnomAD. The amino acid Ala at position 114 is changed to a Val changing protein sequence and it might alter its composition and physico-chemical properties. The amino acid change p.Ala114Val in PMP22 is predicted as conserved by GERP++ and PhyloP across 100 vertebrates. For these reasons, this variant has been classified as Uncertain Significance.

Genomics England Pilot Project, Genomics England
Classification: Likely pathogenic for Charcot-Marie-Tooth disease, type IA. Review status: no assertion criteria provided. Criteria: ACGS Guidelines, 2016. Collection method: clinical testing. Allele origin: germline. Affected: yes. Not counted in ClinVar's aggregate classification.

Literature cited by the submitters: PubMed 31993930 (cited by Labcorp Genetics (formerly Invitae), Labcorp).

NM_000304.4(PMP22):c.341C>T (p.Ala114Val)

Gene: PMP22 (peripheral myelin protein 22; minus strand). Cytogenetic location: 17p12.
Variant type: single nucleotide variant.
Coding change: c.341C>T on transcript NM_000304.4 (MANE Select); coding-DNA position 341, C replaced by T.
Protein change: p.Ala114Val; replaces alanine 114 with valine.
Molecular consequence: missense variant. On other transcripts: non-coding transcript variant (2).
Genome position (GRCh38, 1-based): chr17:15,231,059, G>A on the plus strand (C>T on the coding strand, the complement: PMP22 is on the minus strand). VCF-style: chr17-15231059-G-A. GRCh37 (hg19) VCF-style: chr17-15134376-G-A.
Other names: c.341C>T, p.Ala114Val (NM_001281455.2, NM_001281456.2, NM_153321.3 and 1 more transcripts); short protein forms A114V.
Identifiers: ClinVar variation 1184514 (VCV001184514.4), dbSNP rs1217342392, ClinGen allele CA398739786.